The following is an entry in ClinVar:

NM_000214.3(JAG1):c.3195A>C (p.Arg1065Ser)

Gene: JAG1 (jagged canonical Notch ligand 1; minus strand). Cytogenetic location: 20p12.2.
Variant type: single nucleotide variant.
Coding change: c.3195A>C on transcript NM_000214.3 (MANE Select); coding-DNA position 3195, A replaced by C.
Protein change: p.Arg1065Ser; replaces arginine 1065 with serine.
Molecular consequence: missense variant.
Genome position (GRCh38, 1-based): chr20:10,640,787, T>G on the plus strand (A>C on the coding strand, the complement: JAG1 is on the minus strand). VCF-style: chr20-10640787-T-G. GRCh37 (hg19) VCF-style: chr20-10621435-T-G.
Other names: c.3195A>C (NM_000214.2); short protein forms R1065S.
Identifiers: ClinVar variation 1395660 (VCV001395660.8), dbSNP rs2067265121, ClinGen allele CA408243875.

ClinVar aggregate classification (germline): Uncertain significance. Review status: criteria provided, multiple submitters, no conflicts (2 of 4 stars). 2 submissions from 2 submitters: Uncertain significance (2). Last evaluated 2026-09-22.

Conditions:
Alagille syndrome due to a JAG1 point mutation. Also called: JAG1-Related Alagille Syndrome; HEPATIC DUCTULAR HYPOPLASIA, SYNDROMATIC; Alagille Syndrome 1. Identifiers: Orphanet 261619, Orphanet 52, MedGen C1956125, MONDO:0016862, OMIM 118450.

Allele frequency attached by ClinVar (database versions not stated): TOPMed below 0.00001.

Submissions (2):

GeneDx
Classification: Uncertain significance. Last evaluated: 2026-09-22. Review status: criteria provided, single submitter. Criteria: GeneDx Variant Classification Process June 2021. Collection method: clinical testing. Allele origin: germline.
Comment: Not observed at significant frequency in large population cohorts (gnomAD); In silico analysis suggests that this missense variant does not alter protein structure/function; Has not been previously published as pathogenic or benign to our knowledge

Labcorp Genetics (formerly Invitae), Labcorp
Classification: Uncertain significance for Alagille syndrome due to a JAG1 point mutation. Last evaluated: 2024-02-23. Review status: criteria provided, single submitter. Criteria: Invitae Variant Classification Sherloc (09022015). Collection method: clinical testing. Allele origin: germline.
Comment: This sequence change replaces arginine, which is basic and polar, with serine, which is neutral and polar, at codon 1065 of the JAG1 protein (p.Arg1065Ser). This variant is not present in population databases (gnomAD no frequency). This variant has not been reported in the literature in individuals affected with JAG1-related conditions. ClinVar contains an entry for this variant (Variation ID: 1395660). Advanced modeling of protein sequence and biophysical properties (such as structural, functional, and spatial information, amino acid conservation, physicochemical variation, residue mobility, and thermodynamic stability) performed at Invitae indicates that this missense variant is not expected to disrupt JAG1 protein function with a negative predictive value of 95%. In summary, the available evidence is currently insufficient to determine the role of this variant in disease. Therefore, it has been classified as a Variant of Uncertain Significance.